The following is an entry in ClinVar:

NM_001848.3(COL6A1):c.1956+15C>T

Gene: COL6A1 (collagen type VI alpha 1 chain; plus strand). Cytogenetic location: 21q22.3.
Variant type: single nucleotide variant.
Coding change: c.1956+15C>T on transcript NM_001848.3 (MANE Select); 15 bases into the intron after coding-DNA position 1956, C replaced by T.
Molecular consequence: intron variant.
Genome position (GRCh38, 1-based): chr21:46,001,401, C>T. VCF-style: chr21-46001401-C-T. GRCh37 (hg19) VCF-style: chr21-47421315-C-T.
Identifiers: ClinVar variation 93841 (VCV000093841.22), dbSNP rs11701124, ClinGen allele CA147353.

ClinVar aggregate classification (germline): Benign. Review status: criteria provided, multiple submitters, no conflicts (2 of 4 stars). 8 submissions from 8 submitters: Benign (6). 2 of the submissions do not count toward it. Last evaluated 2026-02-04.

Conditions:
Collagen 6-related myopathy. Identifiers: MedGen CN117976, MONDO:0100225.
Bethlem myopathy 1A. Also called: Bethlem myopathy 1; Bethlem Muscular Dystrophy; MYOPATHY, BENIGN CONGENITAL, WITH CONTRACTURES. Identifiers: Orphanet 610, MedGen CN029274, MONDO:0024530, OMIM 158810.

Allele frequency attached by ClinVar (database versions not stated): ESP Exome Variant Server 0.46871; TOPMed 0.49409; gnomAD exomes 0.52657 and 0.48553; 1000 Genomes Project 0.55831; gnomAD 0.48762 and 0.49312; ExAC 0.52325; 1000 Genomes Project 30x 0.55700.
gnomAD v4.1: 783,014 of 1,607,804 alleles (49%); highest among the groups gnomAD compares: East Asian, 69%; 193,108 homozygotes.

Submissions (8):

Labcorp Genetics (formerly Invitae), Labcorp
Classification: Benign for Bethlem myopathy 1A. Last evaluated: 2026-02-04. Review status: criteria provided, single submitter. Criteria: Invitae Variant Classification Sherloc (09022015). Collection method: clinical testing. Allele origin: germline.

Illumina Laboratory Services, Illumina
Classification: Benign for Collagen VI-related myopathy. Last evaluated: 2018-01-12. Review status: criteria provided, single submitter. Criteria: ICSL Variant Classification Criteria 13 December 2019. Collection method: clinical testing. Allele origin: germline.
Comment: This variant was observed in the ICSL laboratory as part of a predisposition screen in an ostensibly healthy population. It had not been previously curated by ICSL or reported in the Human Gene Mutation Database (HGMD: prior to June 1st, 2018), and was therefore a candidate for classification through an automated scoring system. Utilizing variant allele frequency, disease prevalence and penetrance estimates, and inheritance mode, an automated score was calculated to assess if this variant is too frequent to cause the disease. Based on the score and internal cut-off values, a variant classified as benign is not then subjected to further curation. The score for this variant resulted in a classification of benign for this disease.

GeneDx
Classification: Benign. Last evaluated: 2016-01-05. Review status: criteria provided, single submitter. Criteria: GeneDx Variant Classification (06012015). Collection method: clinical testing. Allele origin: germline. Affected: yes.
Comment: This variant is considered likely benign or benign based on one or more of the following criteria: it is a conservative change, it occurs at a poorly conserved position in the protein, it is predicted to be benign by multiple in silico algorithms, and/or has population frequency not consistent with disease.

Eurofins Ntd Llc (ga)
Classification: Benign. Last evaluated: 2014-10-14. Review status: criteria provided, single submitter. Criteria: EGL Classification Definitions 2015. Collection method: clinical testing. Allele origin: germline. Observed: 87 variant alleles, 58 heterozygotes, 29 homozygotes.

Breakthrough Genomics
Classification: Benign. Review status: criteria provided, single submitter. Criteria: ACMG Guidelines, 2015. Collection method: not provided. Allele origin: germline. Inheritance: Autosomal recessive inheritance. Affected: yes.

PreventionGenetics, part of Exact Sciences
Classification: Benign. Review status: criteria provided, single submitter. Criteria: ACMG Guidelines, 2015. Collection method: clinical testing. Allele origin: germline.

Clinical Genetics, Academic Medical Center
Classification: Benign. Review status: no assertion criteria provided. Collection method: clinical testing. Allele origin: germline. Affected: yes. Study: VKGL Data-share Consensus. Not counted in ClinVar's aggregate classification.

Joint Genome Diagnostic Labs from Nijmegen and Maastricht, Radboudumc and MUMC+
Classification: Benign. Review status: no assertion criteria provided. Collection method: clinical testing. Allele origin: germline. Affected: yes. Study: VKGL Data-share Consensus. Not counted in ClinVar's aggregate classification.